The following is an entry in ClinVar:

NM_005632.3(CAPN15):c.2361G>A (p.Val787=)

Gene: CAPN15 (calpain 15; plus strand). Cytogenetic location: 16p13.3.
Variant type: single nucleotide variant.
Coding change: c.2361G>A on transcript NM_005632.3 (MANE Select); coding-DNA position 2361, G replaced by A.
Protein change: p.Val787=; no amino-acid change (valine 787 retained).
Molecular consequence: synonymous variant.
Genome position (GRCh38, 1-based): chr16:552,066, G>A. VCF-style: chr16-552066-G-A. GRCh37 (hg19) VCF-style: chr16-602066-G-A.
Other names: c.2361G>A (NM_005632.2).
Identifiers: ClinVar variation 2645812 (VCV002645812.25), dbSNP rs369865671, ClinGen allele CA7778737.
Genomic context (GRCh38, chr16:552,066, plus strand): 5'-GTGGGCCGTGGTAGGCTCAGGGCCCCGTCCTCCCGCCACCTGCAGGTACTTCGACTCCGT[G>A]GACATCTGTAAGGTGCACTCGGACTGGCAGGAGGCGCGGGTGCAGGGCTGCTTTCCCAGC-3'
Protein context (NP_005623.1, residues 777-797): YGDFVRYFDS[Val787=]DICKVHSDWQ

ClinVar aggregate classification (germline): Likely benign. Review status: criteria provided, multiple submitters, no conflicts (2 of 4 stars). 2 submissions from 2 submitters: Likely benign (2). Last evaluated 2026-03-12.

Conditions:
CAPN15-related disorder. Also called: CAPN15-related condition.

Allele frequency attached by ClinVar (database versions not stated): TOPMed 0.00010; gnomAD exomes 0.00015; 1000 Genomes Project 30x 0.00016; ExAC 0.00017; gnomAD 0.00019; ESP Exome Variant Server 0.00024.
gnomAD v4.1: 235 of 1,548,926 alleles (0.015%); highest among the groups gnomAD compares: Non-Finnish European, 0.017%; no homozygotes.

Submissions (2):

PreventionGenetics, part of Exact Sciences
Classification: Likely benign for CAPN15-related condition. Last evaluated: 2026-03-12. Review status: criteria provided, single submitter. Criteria: ACMG Guidelines, 2015. Collection method: clinical testing. Allele origin: germline.
Comment: This variant is classified as likely benign based on ACMG/AMP sequence variant interpretation guidelines (Richards et al. 2015 PMID: 25741868, with internal and published modifications).

CeGaT Center for Human Genetics Tuebingen
Classification: Likely benign. Last evaluated: 2022-09-01. Review status: criteria provided, single submitter. Criteria: CeGaT Center For Human Genetics Tuebingen Variant Classification Criteria Version 2. Collection method: clinical testing. Allele origin: germline. Affected: yes. Observed: 1 variant allele.
Comment: CAPN15: BP4, BP7